The following is an entry in ClinVar:

NM_001128840.3(CACNA1D):c.3007-4G>A

Gene: CACNA1D (calcium voltage-gated channel subunit alpha1 D; plus strand). Cytogenetic location: 3p21.1.
Variant type: single nucleotide variant.
Coding change: c.3007-4G>A on transcript NM_001128840.3 (MANE Select); 4 bases into the intron before coding-DNA position 3007, G replaced by A.
Molecular consequence: intron variant.
Genome position (GRCh38, 1-based): chr3:53,745,620, G>A. VCF-style: chr3-53745620-G-A. GRCh37 (hg19) VCF-style: chr3-53779647-G-A.
Other names: c.3007-4G>A (NM_001128839.3); c.3067-4G>A (NM_000720.4).
Identifiers: ClinVar variation 747875 (VCV000747875.34), dbSNP rs371031025, ClinGen allele CA2454431.
Genomic context (GRCh38, chr3:53,745,620, plus strand): 5'-GATGTTAGCTCACCTCAAGGCCAAAATCACAAAGAAGAGTCACGCCCCTCTGCCCTCTCC[G>A]CAGCACGTGGTCCAGTGCGTCTTCGTGGCCATCCGGACCATCGGCAACATCATGATCGTC-3'

ClinVar aggregate classification (germline): Likely benign. Review status: criteria provided, multiple submitters, no conflicts (2 of 4 stars). 5 submissions from 5 submitters: Likely benign (4). 1 of the submissions does not count toward it. Last evaluated 2025-11-30.

Conditions:
CACNA1D-related disorder.

Allele frequency attached by ClinVar (database versions not stated): ExAC 0.00008; ESP Exome Variant Server 0.00008; gnomAD exomes 0.00008 and 0.00009; gnomAD 0.00010 and 0.00011; TOPMed 0.00012; 1000 Genomes Project 0.00020; 1000 Genomes Project 30x 0.00047.
gnomAD v4.1: 151 of 1,603,838 alleles (0.0094%); highest among the groups gnomAD compares: East Asian, 0.038%; no homozygotes.

Submissions (5):

Labcorp Genetics (formerly Invitae), Labcorp
Classification: Likely benign. Last evaluated: 2025-11-30. Review status: criteria provided, single submitter. Criteria: Invitae Variant Classification Sherloc (09022015). Collection method: clinical testing. Allele origin: germline.

Blueprint Genetics
Classification: Likely benign. Last evaluated: 2022-11-14. Review status: criteria provided, single submitter. Criteria: ACMG Guidelines, 2015. Collection method: clinical testing. Allele origin: germline.

CeGaT Center for Human Genetics Tuebingen
Classification: Likely benign. Last evaluated: 2022-09-01. Review status: criteria provided, single submitter. Criteria: CeGaT Center For Human Genetics Tuebingen Variant Classification Criteria Version 2. Collection method: clinical testing. Allele origin: germline. Affected: yes. Observed: 1 variant allele.
Comment: CACNA1D: BP4, BS2

GeneDx
Classification: Likely benign. Last evaluated: 2018-11-15. Review status: criteria provided, single submitter. Criteria: GeneDx Variant Classification Process June 2021. Collection method: clinical testing. Allele origin: germline. Affected: yes.

PreventionGenetics, part of Exact Sciences
Classification: Likely benign for CACNA1D-related condition. Last evaluated: 2024-09-26. Review status: no assertion criteria provided. Collection method: clinical testing. Allele origin: germline. Not counted in ClinVar's aggregate classification.
Comment: This variant is classified as likely benign based on ACMG/AMP sequence variant interpretation guidelines (Richards et al. 2015 PMID: 25741868, with internal and published modifications).